The following is an entry in ClinVar:

NC_000016.9:g.(?_75678161)_(75690509_?)del

Genes: KARS1 (lysyl-tRNA synthetase 1; minus strand), TERF2IP (TERF2 interacting protein; plus strand). Cytogenetic location: 16q23.1.
Variant type: Deletion.
Identifiers: ClinVar variation 3243659 (VCV003243659.1).

ClinVar aggregate classification (germline): Uncertain significance (1 of 4 stars; one submission).

Submission:

Labcorp Genetics (formerly Invitae), Labcorp
Classification: Uncertain significance. Last evaluated: 2023-07-19. Review status: criteria provided, single submitter. Criteria: Invitae Variant Classification Sherloc (09022015). Collection method: clinical testing. Allele origin: unknown.
Comment: In summary, the available evidence is currently insufficient to determine the role of this variant in disease. Therefore, it has been classified as a Variant of Uncertain Significance. This variant has not been reported in the literature in individuals affected with TERF2IP-related conditions. A gross deletion of the genomic region encompassing the full coding sequence of the TERF2IP gene has been identified. The current clinical and genetic evidence is not sufficient to establish whether loss-of-function variants in TERF2IP cause disease. The boundaries of this event are unknown as they extend beyond the assayed region for this gene and therefore may encompass additional genes.